The following is an entry in ClinVar:

NM_001848.3(COL6A1):c.805-2A>C

Gene: COL6A1 (collagen type VI alpha 1 chain; plus strand). Cytogenetic location: 21q22.3.
Variant type: single nucleotide variant.
Coding change: c.805-2A>C on transcript NM_001848.3 (MANE Select); the canonical splice acceptor site of the intron before coding-DNA position 805, A replaced by C.
Molecular consequence: splice acceptor variant.
Genome position (GRCh38, 1-based): chr21:45,989,082, A>C. VCF-style: chr21-45989082-A-C. GRCh37 (hg19) VCF-style: chr21-47408996-A-C.
Identifiers: ClinVar variation 971352 (VCV000971352.11), dbSNP rs398123639, ClinGen allele CA410521324.

ClinVar aggregate classification (germline): Pathogenic/Likely pathogenic. Review status: criteria provided, multiple submitters, no conflicts (2 of 4 stars). 2 submissions from 2 submitters: Pathogenic (1); Likely pathogenic (1). Last evaluated 2022-07-05.

Conditions:
Ullrich congenital muscular dystrophy 1A. Also called: Ullrich congenital muscular dystrophy 1; Intermediate COL6-RD. Identifiers: Orphanet 75840, MedGen C0410179, MONDO:0009681, OMIM 254090.
Bethlem myopathy 1A. Also called: Bethlem Muscular Dystrophy; Bethlem myopathy 1; MYOPATHY, BENIGN CONGENITAL, WITH CONTRACTURES. Identifiers: Orphanet 610, MedGen CN029274, MONDO:0024530, OMIM 158810.

Submissions (2):

Labcorp Genetics (formerly Invitae), Labcorp
Classification: Pathogenic for Bethlem myopathy 1A. Last evaluated: 2022-07-05. Review status: criteria provided, single submitter. Criteria: Invitae Variant Classification Sherloc (09022015). Collection method: clinical testing. Allele origin: germline.
Comment: For these reasons, this variant has been classified as Pathogenic. Algorithms developed to predict the effect of sequence changes on RNA splicing suggest that this variant may disrupt the consensus splice site. ClinVar contains an entry for this variant (Variation ID: 971352). Disruption of this splice site has been observed in individuals with clinical features of autosomal dominant type VI collagenopathy (PMID: 29419890; Invitae). This variant is not present in population databases (gnomAD no frequency). This sequence change affects an acceptor splice site in intron 8 of the COL6A1 gene. It is expected to disrupt RNA splicing. Variants that disrupt the donor or acceptor splice site typically lead to a loss of protein function (PMID: 16199547), and loss-of-function variants in COL6A1 are known to be disease-causing for autosomal recessive COL6A1 conditions (PMID: 21280092, 20976770). However, certain variants affecting donor or acceptor splice sites in the triple helical domain of COL6A1 are expected to result in in-frame exon skipping and have been reported to cause autosomal dominant COL6A1-related conditions (PMID: 18366090).

Neuberg Centre For Genomic Medicine, NCGM
Classification: Likely pathogenic for Ullrich congenital muscular dystrophy 1A. Review status: criteria provided, single submitter. Criteria: ACMG Guidelines, 2015. Collection method: clinical testing. Allele origin: germline. Affected: yes.
Comment: It is expected to disrupt RNA splicing. Variants that disrupt the donor or acceptor splice site typically lead to a loss of protein function (PMID: 16199547), and loss-of-function variants in COL6A1 are known to be disease-causing for Autosomal recessive inheritance COL6A1 conditions (PMID: 21280092, 20976770). However, certain variants affecting donor or acceptor splice sites in the triple helical domain of COL6A1 are expected to result in in-frame exon skipping and have been reported to cause Autosomal dominant inheritance COL6A1- related conditions (PMID: 18366090).

Literature cited by the submitters: PubMed 29419890 (cited by Labcorp Genetics (formerly Invitae), Labcorp); PubMed 16199547 (cited by Labcorp Genetics (formerly Invitae), Labcorp); PubMed 21280092 (cited by Labcorp Genetics (formerly Invitae), Labcorp); PubMed 20976770 (cited by Labcorp Genetics (formerly Invitae), Labcorp); PubMed 18366090 (cited by Labcorp Genetics (formerly Invitae), Labcorp).